The following is an entry in ClinVar:

ClinVar aggregate classification (germline): Conflicting classifications of pathogenicity. Review status: criteria provided, conflicting classifications (1 of 4 stars). 2 submissions from 2 submitters: Uncertain significance (1); Likely benign (1). Last evaluated 2024-05-25.

Conditions:
Cardiovascular phenotype. Identifiers: MedGen CN230736.
Noonan syndrome 9 (NS9). Identifiers: Orphanet 648, MedGen C4225282, MONDO:0014691, OMIM 616559.

Allele frequency attached by ClinVar (database versions not stated): ExAC 0.00001; gnomAD exomes 0.00001.
gnomAD v4.1: 3 of 1,612,122 alleles (0.00019%); highest among the groups gnomAD compares: Admixed American, 0.0033%; no homozygotes.

Submissions (2):

Labcorp Genetics (formerly Invitae), Labcorp
Classification: Likely benign for Noonan syndrome 9. Last evaluated: 2024-05-25. Review status: criteria provided, single submitter. Criteria: Invitae Variant Classification Sherloc (09022015). Collection method: clinical testing. Allele origin: germline.

Ambry Genetics
Classification: Uncertain significance for Cardiovascular phenotype. Last evaluated: 2023-03-16. Review status: criteria provided, single submitter. Criteria: Ambry Variant Classification Scheme 2023. Collection method: clinical testing. Allele origin: germline.
Comment: The p.T654I variant (also known as c.1961C>T), located in coding exon 12 of the SOS2 gene, results from a C to T substitution at nucleotide position 1961. The threonine at codon 654 is replaced by isoleucine, an amino acid with similar properties. This amino acid position is conserved. In addition, this alteration is predicted to be tolerated by in silico analysis. Since supporting evidence is limited at this time, the clinical significance of this alteration remains unclear.

NM_006939.4(SOS2):c.1961C>T (p.Thr654Ile)

Gene: SOS2 (SOS Ras/Rho guanine nucleotide exchange factor 2; minus strand). Cytogenetic location: 14q21.3.
Variant type: single nucleotide variant.
Coding change: c.1961C>T on transcript NM_006939.4 (MANE Select); coding-DNA position 1961, C replaced by T.
Protein change: p.Thr654Ile; replaces threonine 654 with isoleucine.
Molecular consequence: missense variant.
Genome position (GRCh38, 1-based): chr14:50,157,095, G>A on the plus strand (C>T on the coding strand, the complement: SOS2 is on the minus strand). VCF-style: chr14-50157095-G-A. GRCh37 (hg19) VCF-style: chr14-50623813-G-A.
Other names: c.1862C>T, p.Thr621Ile (NM_001411020.1); short protein forms T621I, T654I.
Identifiers: ClinVar variation 2093433 (VCV002093433.6), dbSNP rs753546556, ClinGen allele CA7177189.